The following is an entry in ClinVar:

NM_001267550.2(TTN):c.106394A>C (p.Lys35465Thr)

Genes: TTN (titin; minus strand), TTN-AS1 (TTN antisense RNA 1; plus strand). Cytogenetic location: 2q31.2.
Variant type: single nucleotide variant.
Coding change: c.106394A>C on transcript NM_001267550.2 (MANE Select); coding-DNA position 106394, A replaced by C.
Protein change: p.Lys35465Thr; replaces lysine 35465 with threonine.
Molecular consequence: missense variant.
Genome position (GRCh38, 1-based): chr2:178,530,097, T>G on the plus strand (A>C on the coding strand, the complement: TTN is on the minus strand). VCF-style: chr2-178530097-T-G. GRCh37 (hg19) VCF-style: chr2-179394824-T-G.
Other names: c.101471A>C, p.Lys33824Thr (NM_001256850.1); c.79199A>C, p.Lys26400Thr (NM_003319.4); c.98690A>C, p.Lys32897Thr (NM_133378.4); c.79574A>C, p.Lys26525Thr (NM_133432.3); c.79775A>C, p.Lys26592Thr (NM_133437.4); short protein forms K26400T, K32897T, K26525T, K35465T, K26592T, K33824T.
Identifiers: ClinVar variation 4788368 (VCV004788368.1).

ClinVar aggregate classification (germline): Uncertain significance (1 of 4 stars; one submission).

Conditions:
Autosomal recessive limb-girdle muscular dystrophy type 2J (LGMDR10). Also called: Limb-girdle muscular dystrophy, type 2J; MUSCULAR DYSTROPHY, LIMB-GIRDLE, AUTOSOMAL RECESSIVE 10. Identifiers: Orphanet 140922, MedGen C1837342, MONDO:0012127, OMIM 608807.
Dilated cardiomyopathy 1G (CMD1G). Identifiers: Orphanet 154, MedGen C1858763, MONDO:0011400, OMIM 604145.

gnomAD v4.1: 2 of 1,603,950 alleles (0.00012%); highest among the groups gnomAD compares: Non-Finnish European, 0.00017%; no homozygotes.

Submission:

Labcorp Genetics (formerly Invitae), Labcorp
Classification: Uncertain significance for Dilated cardiomyopathy 1G; Autosomal recessive limb-girdle muscular dystrophy type 2J. Last evaluated: 2025-07-29. Review status: criteria provided, single submitter. Criteria: Invitae Variant Classification Sherloc (09022015). Collection method: clinical testing. Allele origin: germline.
Comment: This sequence change replaces lysine, which is basic and polar, with threonine, which is neutral and polar, at codon 35465 of the TTN protein (p.Lys35465Thr). This variant is not present in population databases (gnomAD no frequency). This variant has not been reported in the literature in individuals affected with TTN-related conditions. Experimental studies and prediction algorithms are not available or were not evaluated, and the functional significance of this variant is currently unknown. This variant is located in the M band of TTN (PMID: 25589632). Non-truncating variants in this region may be relevant for neuromuscular disorders, but have not been definitively shown to cause cardiomyopathy (PMID: 23975875). In summary, the available evidence is currently insufficient to determine the role of this variant in disease. Therefore, it has been classified as a Variant of Uncertain Significance.

Literature cited by the submitters: PubMed 25589632; PubMed 23975875.